The following is an entry in ClinVar:

NM_004360.5(CDH1):c.1774G>A (p.Ala592Thr)

Gene: CDH1 (cadherin 1; plus strand). Cytogenetic location: 16q22.1.
Variant type: single nucleotide variant.
Coding change: c.1774G>A on transcript NM_004360.5 (MANE Select); coding-DNA position 1774, G replaced by A.
Protein change: p.Ala592Thr; replaces alanine 592 with threonine.
Molecular consequence: missense variant. On other transcripts: 5 prime UTR variant (1).
Genome position (GRCh38, 1-based): chr16:68,822,063, G>A. VCF-style: chr16-68822063-G-A. GRCh37 (hg19) VCF-style: chr16-68855966-G-A.
Other names: p.A592T:GCC>ACC; NM_004360.4(CDH1):c.1774G>A; c.1591G>A, p.Ala531Thr (NM_001317184.2); c.226G>A, p.Ala76Thr (NM_001317185.2); c.-192G>A (NM_001317186.2); short protein forms A592T, A76T, A531T.
Identifiers: ClinVar variation 41783 (VCV000041783.94), dbSNP rs35187787, ClinGen allele CA157954.

ClinVar aggregate classification (germline): Benign. Review status: reviewed by expert panel (3 of 4 stars). 35 submissions from 35 submitters: Benign (1). 34 of the submissions do not count toward it. Last evaluated 2023-08-08.

Conditions:
CDH1-related diffuse gastric and lobular breast cancer syndrome. Also called: CDH1-related diffuse gastric and lobular breast cancer. Identifiers: MedGen CN311521, MONDO:0100488.
Familial cancer of breast. Also called: Hereditary breast cancer; hereditary breast carcinoma; BREAST CANCER, FAMILIAL. Identifiers: Orphanet 227535, MedGen C0346153, MONDO:0016419, OMIM 114480. Disease mechanism: loss of function.
Ovarian neoplasm. Also called: Ovarian Neoplasms; Ovarian tumor; Neoplasm of ovary. Identifiers: MedGen C0919267, MeSH D010051, MONDO:0021068, HP:0100615.
Blepharocheilodontic syndrome 1 (BCDS1). Identifiers: Orphanet 1997, MedGen C4551988, MONDO:0054740, OMIM 119580.
Hereditary diffuse gastric adenocarcinoma (HDGC). Also called: DIFFUSE GASTRIC AND LOBULAR BREAST CANCER SYNDROME. Identifiers: Orphanet 26106, MedGen C1708349, MONDO:0007648, OMIM 137215.
Prostate cancer. Also called: Malignant tumor of prostate. Identifiers: Orphanet 1331, MedGen C0376358, MONDO:0008315, HP:0012125.
Endometrial carcinoma. Also called: Endometrial carcinoma, somatic. Identifiers: MedGen C0476089, MONDO:0002447, OMIM 608089, HP:0012114.
Breast and/or ovarian cancer. Identifiers: MedGen CN221562.
Hereditary cancer-predisposing syndrome. Also called: Neoplastic Syndromes, Hereditary; Hereditary neoplastic syndrome; Hereditary Cancer Syndrome; Tumor predisposition. Identifiers: Orphanet 140162, MedGen C0027672, MeSH D009386, MONDO:0015356.
Breast neoplasm. Also called: Breast Neoplasms; Neoplasm of breast; Breast tumor; Neoplasm of the breast. Identifiers: MedGen C1458155, MeSH D001943, MONDO:0021100, HP:0100013. Disease mechanism: gain of function.

Allele frequency attached by ClinVar (database versions not stated): gnomAD 0.00311 and 0.00313; 1000 Genomes Project 30x 0.00156; ESP Exome Variant Server 0.00454; 1000 Genomes Project 0.00120; TOPMed 0.00297.
gnomAD v4.1: 7,980 of 1,614,062 alleles (0.49%); highest among the groups gnomAD compares: Middle Eastern, 0.68%; 28 homozygotes.

Submissions 1 to 18 of 35:

Clingen Gastric Cancer Variant Curation Expert Panel
Classification: Benign for CDH1-related diffuse gastric and lobular breast cancer syndrome. Last evaluated: 2023-08-08. Review status: reviewed by expert panel. Criteria: ClinGen CDH1 ACMG Specifications V3.1. Collection method: curation. Allele origin: germline. Inheritance: Autosomal dominant inheritance.
Comment: The c.1774G>A (p.Ala592Thr) variant has an allele frequency of 0.00481 (0.48%, 609/126,710 alleles) in the European (non-Finnish) subpopulation of the gnomAD cohort (BA1). In summary, this variant meets criteria to be classified as benign. ACMG/AMP criteria applied, as specified by the CDH1 Variant Curation Expert Panel (Variant Interpretation Guidelines Version 3.1): BA1.

CeGaT Center for Human Genetics Tuebingen
Classification: Benign. Last evaluated: 2026-09-01. Review status: criteria provided, single submitter. Criteria: CeGaT Center For Human Genetics Tuebingen Variant Classification Criteria Version 2. Collection method: clinical testing. Allele origin: germline. Affected: yes. Observed: 39 variant alleles. Not counted in ClinVar's aggregate classification.
Comment: CDH1: BP4, BS1, BS2

Labcorp Genetics (formerly Invitae), Labcorp
Classification: Benign for Hereditary diffuse gastric adenocarcinoma. Last evaluated: 2026-02-04. Review status: criteria provided, single submitter. Criteria: Invitae Variant Classification Sherloc (09022015). Collection method: clinical testing. Allele origin: germline. Not counted in ClinVar's aggregate classification.

Dasa
Classification: Benign. Last evaluated: 2025-10-29. Review status: criteria provided, single submitter. Criteria: DASA Assertion Criteria. Collection method: clinical testing. Allele origin: germline. Not counted in ClinVar's aggregate classification.
Comment: NM_004360.5(CDH1):c.1774G>A (p.Ala592Thr) is interpreted as benign based on a combination of available evidence, which may include population frequency, observations in unaffected individuals, intact protein function, lack of segregation with disease, in silico models, amino acid conservation, lack of disease association in case-control studies, and/or inconsistency with the known disease mechanism or impacted region. Based on the available data, this variant is classified as benign.

ARUP Laboratories, Molecular Genetics and Genomics, ARUP Laboratories
Classification: Benign. Last evaluated: 2025-07-09. Review status: criteria provided, single submitter. Criteria: ARUP Molecular Germline Variant Investigation Process 2024. Collection method: clinical testing. Allele origin: germline. Not counted in ClinVar's aggregate classification.

Laboratorio de I+D, Fundación Centro Médico de Asturias
Classification: Likely benign for Hereditary cancer-predisposing syndrome. Last evaluated: 2025-07-09. Review status: criteria provided, single submitter. Criteria: ACMG Guidelines, 2015. Collection method: clinical testing. Allele origin: germline. Not counted in ClinVar's aggregate classification.
Comment: BP1+BP4

Center for Genomic Medicine, Rigshospitalet, Copenhagen University Hospital
Classification: Likely benign. Last evaluated: 2025-03-04. Review status: criteria provided, single submitter. Criteria: ACMG Guidelines, 2015. Collection method: clinical testing. Allele origin: germline. Not counted in ClinVar's aggregate classification.

Myriad Genetics, Inc.
Classification: Benign for Hereditary diffuse gastric adenocarcinoma. Last evaluated: 2024-09-20. Review status: criteria provided, single submitter. Criteria: Myriad Autosomal Dominant, Autosomal Recessive and X-Linked Classification Criteria (2023). Collection method: clinical testing. Allele origin: unknown. Not counted in ClinVar's aggregate classification.
Comment: This variant is considered benign. This variant has been observed at a population frequency that is significantly greater than expected given the associated disease prevalence and penetrance. Homozygosity has been confirmed in one or more individuals. As homozygosity for pathogenic variants in this gene is generally assumed to result in embryonic lethality, this variant is unlikely to be pathogenic.

European Reference Network on Genetic Tumour Risk Syndromes (ERN-GENTURIS), i3s - Instituto de Investigação e Inovação em Saúde, University of Porto
Classification: Benign for Hereditary diffuse gastric adenocarcinoma. Last evaluated: 2022-08-01. Review status: criteria provided, single submitter. Criteria: Lee et al. (Hum Mutat. 2018). Collection method: clinical testing. Allele origin: germline. Inheritance: Autosomal dominant inheritance. Affected: yes. Study: ERN GENTURIS. Not counted in ClinVar's aggregate classification.
Comment: BA1 (PMID: 30311375)

CHEO Genetics Diagnostic Laboratory, Children's Hospital of Eastern Ontario
Classification: Likely benign for Breast and/or ovarian cancer. Last evaluated: 2022-01-10. Review status: criteria provided, single submitter. Criteria: ACMG Guidelines, 2015. Collection method: clinical testing. Allele origin: germline. Not counted in ClinVar's aggregate classification.

Institute for Clinical Genetics, University Hospital TU Dresden, University Hospital TU Dresden
Classification: Benign. Last evaluated: 2021-11-03. Review status: criteria provided, single submitter. Criteria: ACMG Guidelines, 2015. Collection method: clinical testing. Allele origin: germline. Not counted in ClinVar's aggregate classification.

Fulgent Genetics
Classification: Likely benign for Familial cancer of breast; Blepharocheilodontic syndrome 1; Hereditary diffuse gastric adenocarcinoma; Ovarian cancer; Familial prostate cancer; Endometrial carcinoma. Last evaluated: 2021-08-04. Review status: criteria provided, single submitter. Criteria: ACMG Guidelines, 2015. Collection method: clinical testing. Allele origin: unknown. Not counted in ClinVar's aggregate classification.

Genetic Services Laboratory, University of Chicago
Classification: Benign. Last evaluated: 2021-04-05. Review status: criteria provided, single submitter. Criteria: ACMG Guidelines, 2015. Collection method: clinical testing. Allele origin: germline. Affected: no. Not counted in ClinVar's aggregate classification.

Sema4
Classification: Benign for Hereditary cancer-predisposing syndrome. Last evaluated: 2020-05-10. Review status: criteria provided, single submitter. Criteria: Sema4 Curation Guidelines. Collection method: curation. Allele origin: germline. Not counted in ClinVar's aggregate classification.

Mendelics
Classification: Likely benign for Hereditary diffuse gastric cancer. Last evaluated: 2018-07-02. Review status: criteria provided, single submitter. Criteria: Mendelics Assertion Criteria 2017. Collection method: clinical testing. Allele origin: unknown. Not counted in ClinVar's aggregate classification.

Center for Pediatric Genomic Medicine, Children's Mercy Hospital and Clinics
Classification: Likely benign. Last evaluated: 2017-06-26. Review status: criteria provided, single submitter. Criteria: ACMG Guidelines, 2015. Collection method: clinical testing. Allele origin: germline. Not counted in ClinVar's aggregate classification.

GeneDx
Classification: Benign. Last evaluated: 2017-05-22. Review status: criteria provided, single submitter. Criteria: GeneDx Variant Classification (06012015). Collection method: clinical testing. Allele origin: germline. Affected: yes. Not counted in ClinVar's aggregate classification.
Comment: This variant is considered likely benign or benign based on one or more of the following criteria: it is a conservative change, it occurs at a poorly conserved position in the protein, it is predicted to be benign by multiple in silico algorithms, and/or has population frequency not consistent with disease.

Illumina Laboratory Services, Illumina
Classification: Likely benign for Hereditary diffuse gastric adenocarcinoma. Last evaluated: 2017-04-27. Review status: criteria provided, single submitter. Criteria: ICSL Variant Classification Criteria 13 December 2019. Collection method: clinical testing. Allele origin: germline. Not counted in ClinVar's aggregate classification.
Comment: This variant was observed as part of a predisposition screen in an ostensibly healthy population. A literature search was performed for the gene, cDNA change, and amino acid change (where applicable). No publications were found based on this search. Allele frequency data from public databases allowed determination this variant is unlikely to cause disease. Therefore, this variant is classified as likely benign.